The following is an entry in ClinVar:

ClinVar aggregate classification (germline): Benign. Review status: criteria provided, single submitter (1 of 4 stars). 2 submissions from 2 submitters: Benign (1). 1 of the submissions does not count toward it. Last evaluated 2022-03-19.

Conditions:
KRT74-related disorder. Also called: KRT74-related condition.

Allele frequency attached by ClinVar (database versions not stated): 1000 Genomes Project 30x 0.00062; ESP Exome Variant Server 0.00023; 1000 Genomes Project 0.00060.

Submissions (2):

Labcorp Genetics (formerly Invitae), Labcorp
Classification: Benign. Last evaluated: 2022-03-19. Review status: criteria provided, single submitter. Criteria: Invitae Variant Classification Sherloc (09022015). Collection method: clinical testing. Allele origin: germline.

PreventionGenetics, part of Exact Sciences
Classification: Likely benign for KRT74-related condition. Last evaluated: 2019-11-18. Review status: no assertion criteria provided. Collection method: clinical testing. Allele origin: germline. Not counted in ClinVar's aggregate classification.
Comment: This variant is classified as likely benign based on ACMG/AMP sequence variant interpretation guidelines (Richards et al. 2015 PMID: 25741868, with internal and published modifications).

NM_175053.4(KRT74):c.1491C>T (p.Ser497=)

Gene: KRT74 (keratin 74; minus strand). Cytogenetic location: 12q13.13.
Variant type: single nucleotide variant.
Coding change: c.1491C>T on transcript NM_175053.4 (MANE Select); coding-DNA position 1491, C replaced by T.
Protein change: p.Ser497=; no amino-acid change (serine 497 retained).
Molecular consequence: synonymous variant.
Genome position (GRCh38, 1-based): chr12:52,567,068, G>A on the plus strand (C>T on the coding strand, the complement: KRT74 is on the minus strand). VCF-style: chr12-52567068-G-A. GRCh37 (hg19) VCF-style: chr12-52960852-G-A.
Other names: c.1491C>T (NM_175053.3).
Identifiers: ClinVar variation 2047552 (VCV002047552.6), dbSNP rs114682029, ClinGen allele CA6583626.